The following is an entry in ClinVar:

ClinVar aggregate classification (germline): Uncertain significance. Review status: criteria provided, multiple submitters, no conflicts (2 of 4 stars). 2 submissions from 2 submitters: Uncertain significance (2). Last evaluated 2023-07-07.

Allele frequency attached by ClinVar (database versions not stated): gnomAD exomes 0.00001.
gnomAD v4.1: 3 of 1,522,960 alleles (0.0002%); highest among the groups gnomAD compares: Middle Eastern, 0.034%; no homozygotes.

Submissions (2):

Labcorp Genetics (formerly Invitae), Labcorp
Classification: Uncertain significance. Last evaluated: 2023-07-07. Review status: criteria provided, single submitter. Criteria: Invitae Variant Classification Sherloc (09022015). Collection method: clinical testing. Allele origin: germline.
Comment: In summary, the available evidence is currently insufficient to determine the role of this variant in disease. Therefore, it has been classified as a Variant of Uncertain Significance. Algorithms developed to predict the effect of missense changes on protein structure and function output the following: SIFT: "Not Available"; PolyPhen-2: "Benign"; Align-GVGD: "Not Available". The proline amino acid residue is found in multiple mammalian species, which suggests that this missense change does not adversely affect protein function. This sequence change replaces serine, which is neutral and polar, with proline, which is neutral and non-polar, at codon 1878 of the KIAA1549 protein (p.Ser1878Pro). This variant is not present in population databases (gnomAD no frequency). This variant has not been reported in the literature in individuals affected with KIAA1549-related conditions. ClinVar contains an entry for this variant (Variation ID: 1911694).

Blueprint Genetics
Classification: Uncertain significance. Last evaluated: 2022-07-20. Review status: criteria provided, single submitter. Criteria: ACMG Guidelines, 2015. Collection method: clinical testing. Allele origin: germline.

NM_001164665.2(KIAA1549):c.5632T>C (p.Ser1878Pro)

Gene: KIAA1549 (KIAA1549; minus strand). Cytogenetic location: 7q34.
Variant type: single nucleotide variant.
Coding change: c.5632T>C on transcript NM_001164665.2 (MANE Select); coding-DNA position 5632, T replaced by C.
Protein change: p.Ser1878Pro; replaces serine 1878 with proline.
Molecular consequence: missense variant. On other transcripts: intron variant (1).
Genome position (GRCh38, 1-based): chr7:138,838,127, A>G on the plus strand (T>C on the coding strand, the complement: KIAA1549 is on the minus strand). VCF-style: chr7-138838127-A-G. GRCh37 (hg19) VCF-style: chr7-138522872-A-G.
Other names: c.5599-15T>C (NM_020910.3); short protein forms S1878P.
Identifiers: ClinVar variation 1911694 (VCV001911694.6), dbSNP rs1563043087, ClinGen allele CA369384182.
Genomic context (GRCh38, chr7:138,838,127, plus strand): 5'-GGTTCCCGGAAGGAGCTGAGGGCTCCCTGCCTGAAGTCCTTGGCACCTGAAATAGCGGTG[A>G]AGAAGAATACTCTTGATGTCCGAGCATGTGTGTCTGAAAAACATGGCAAACGTCACTGTA-3'
Protein context (NP_001158137.1, residues 1868-1888): HMLGHQEYSS[Ser1878Pro]PLFQVPRTSG